The following is an entry in ClinVar:

ClinVar aggregate classification (germline): Uncertain significance (1 of 4 stars; one submission).

Allele frequency attached by ClinVar (database versions not stated): gnomAD exomes below 0.00001; TOPMed 0.00001.
gnomAD v4.1: 2 of 1,614,148 alleles (0.00012%); highest among the groups gnomAD compares: Middle Eastern, 0.016%; no homozygotes.

Submission:

Labcorp Genetics (formerly Invitae), Labcorp
Classification: Uncertain significance. Last evaluated: 2024-03-22. Review status: criteria provided, single submitter. Criteria: Invitae Variant Classification Sherloc (09022015). Collection method: clinical testing. Allele origin: germline.
Comment: This sequence change replaces alanine, which is neutral and non-polar, with threonine, which is neutral and polar, at codon 638 of the KMT2A protein (p.Ala638Thr). This variant is not present in population databases (gnomAD no frequency). This variant has not been reported in the literature in individuals affected with KMT2A-related conditions. Advanced modeling of protein sequence and biophysical properties (such as structural, functional, and spatial information, amino acid conservation, physicochemical variation, residue mobility, and thermodynamic stability) has been performed at Invitae for this missense variant, however the output from this modeling did not meet the statistical confidence thresholds required to predict the impact of this variant on KMT2A protein function. In summary, the available evidence is currently insufficient to determine the role of this variant in disease. Therefore, it has been classified as a Variant of Uncertain Significance.

NM_001197104.2(KMT2A):c.1912G>A (p.Ala638Thr)

Gene: KMT2A (lysine methyltransferase 2A; plus strand). Cytogenetic location: 11q23.3.
Variant type: single nucleotide variant.
Coding change: c.1912G>A on transcript NM_001197104.2 (MANE Select); coding-DNA position 1912, G replaced by A.
Protein change: p.Ala638Thr; replaces alanine 638 with threonine.
Molecular consequence: missense variant.
Genome position (GRCh38, 1-based): chr11:118,473,071, G>A. VCF-style: chr11-118473071-G-A. GRCh37 (hg19) VCF-style: chr11-118343786-G-A.
Other names: c.2011G>A, p.Ala671Thr (NM_001412597.1); c.1912G>A, p.Ala638Thr (NM_005933.4); short protein forms A671T, A638T.
Identifiers: ClinVar variation 2812475 (VCV002812475.3), dbSNP rs1949971448, ClinGen allele CA382811640.
Genomic context (GRCh38, chr11:118,473,071, plus strand): 5'-AGGTGGACTTCTTTAAAGCATTCTAGGTCAGAGCCACAATACTTTTCCTCAGCAAAGTAT[G>A]CCAAAGAAGGTCTTATTCGCAAACCAATATTTGATAATTTCCGACCCCCTCCACTAACTC-3'
Protein context (NP_001184033.1, residues 628-648): EPQYFSSAKY[Ala638Thr]KEGLIRKPIF